The following is an entry in ClinVar:

NM_001348716.2(KDM6B):c.4737+2T>C

Gene: KDM6B (lysine demethylase 6B; plus strand). Cytogenetic location: 17p13.1.
Variant type: single nucleotide variant.
Coding change: c.4737+2T>C on transcript NM_001348716.2 (MANE Select); the canonical splice donor site of the intron after coding-DNA position 4737, T replaced by C.
Molecular consequence: splice donor variant.
Genome position (GRCh38, 1-based): chr17:7,853,128, T>C. VCF-style: chr17-7853128-T-C. GRCh37 (hg19) VCF-style: chr17-7756446-T-C.
Other names: NC_000017.10:g.7756446T>C; c.4737+2T>C (NM_001080424.2).
Identifiers: ClinVar variation 4291095 (VCV004291095.2).

ClinVar aggregate classification (germline): Pathogenic (1 of 4 stars; one submission).

Conditions:
Neurodevelopmental disorder with coarse facies and mild distal skeletal abnormalities. Also called: STOLERMAN NEURODEVELOPMENTAL SYNDROME. Identifiers: MedGen C5193134, MONDO:0032790, OMIM 618505.

Submissions (2):

Institute of Human Genetics, University of Leipzig Medical Center
Classification: Pathogenic for Neurodevelopmental disorder with coarse facies and mild distal skeletal abnormalities. Last evaluated: 2025-09-30. Review status: criteria provided, single submitter. Criteria: ACMG Guidelines, 2015. Collection method: clinical testing. Allele origin: unknown. Inheritance: Autosomal dominant inheritance. Affected: yes.
Comment: Criteria applied: PVS1,PM2

Dr. Peter K. Rogan Lab, Western University
No classification provided (evidence only). Condition: Gastric cancer. Review status: no classification provided. Collection method: in vitro. Allele origin: not applicable. Functional consequence: retained intron. Not counted in ClinVar's aggregate classification.